The following is an entry in ClinVar:

NM_001039141.3(TRIOBP):c.818G>A (p.Arg273His)

Gene: TRIOBP (TRIO and F-actin binding protein; plus strand). Cytogenetic location: 22q13.1.
Variant type: single nucleotide variant.
Coding change: c.818G>A on transcript NM_001039141.3 (MANE Select); coding-DNA position 818, G replaced by A.
Protein change: p.Arg273His; replaces arginine 273 with histidine.
Molecular consequence: missense variant.
Genome position (GRCh38, 1-based): chr22:37,723,374, G>A. VCF-style: chr22-37723374-G-A. GRCh37 (hg19) VCF-style: chr22-38119381-G-A.
Other names: short protein forms R273H.
Identifiers: ClinVar variation 1521541 (VCV001521541.6), dbSNP rs754785011, ClinGen allele CA10223459.

ClinVar aggregate classification (germline): Uncertain significance (1 of 4 stars; one submission).

Allele frequency attached by ClinVar (database versions not stated): TOPMed 0.00002.
gnomAD v4.1: 62 of 1,614,000 alleles (0.0038%); highest among the groups gnomAD compares: East Asian, 0.0089%; no homozygotes.

Submission:

Labcorp Genetics (formerly Invitae), Labcorp
Classification: Uncertain significance. Last evaluated: 2021-10-10. Review status: criteria provided, single submitter. Criteria: Invitae Variant Classification Sherloc (09022015). Collection method: clinical testing. Allele origin: germline.
Comment: In summary, the available evidence is currently insufficient to determine the role of this variant in disease. Therefore, it has been classified as a Variant of Uncertain Significance. Algorithms developed to predict the effect of missense changes on protein structure and function output the following: SIFT: "Tolerated"; PolyPhen-2: "Benign"; Align-GVGD: "Class C0". The histidine amino acid residue is found in multiple mammalian species, which suggests that this missense change does not adversely affect protein function. This variant has not been reported in the literature in individuals affected with TRIOBP-related conditions. This variant is present in population databases (rs754785011, ExAC 0.004%). This sequence change replaces arginine with histidine at codon 273 of the TRIOBP protein (p.Arg273His). The arginine residue is weakly conserved and there is a small physicochemical difference between arginine and histidine.